The following is an entry in ClinVar:

ClinVar aggregate classification (germline): Uncertain significance. Review status: criteria provided, multiple submitters, no conflicts (2 of 4 stars). 2 submissions from 2 submitters: Uncertain significance (2). Last evaluated 2025-10-03.

Conditions:
Inborn genetic diseases. Identifiers: MedGen C0950123, MeSH D030342.

Submissions (2):

Women's Health and Genetics/Laboratory Corporation of America, LabCorp
Classification: Uncertain significance. Last evaluated: 2025-10-03. Review status: criteria provided, single submitter. Criteria: LabCorp Variant Classification Summary - May 2015. Collection method: clinical testing. Allele origin: germline.
Comment: Variant summary: GP1BA c.754G>A (p.Val252Ile) results in a conservative amino acid change in the encoded protein sequence. Algorithms developed to predict the effect of missense changes on protein structure and function all suggest that this variant is likely to be tolerated. The variant allele was found at a frequency of 4e-06 in 249260 control chromosomes. The available data on variant occurrences in the general population are insufficient to allow any conclusion about variant significance. To our knowledge, no occurrence of c.754G>A in individuals affected with GP1BA-related conditions and no experimental evidence demonstrating its impact on protein function have been reported. ClinVar contains an entry for this variant (Variation ID: 3854779). Based on the evidence outlined above, the variant was classified as uncertain significance.

Ambry Genetics
Classification: Uncertain significance for Inborn genetic diseases. Last evaluated: 2024-12-11. Review status: criteria provided, single submitter. Criteria: Ambry Variant Classification Scheme 2023. Collection method: clinical testing. Allele origin: germline.

NM_000173.7(GP1BA):c.754G>A (p.Val252Ile)

Gene: GP1BA (glycoprotein Ib platelet subunit alpha; plus strand). Cytogenetic location: 17p13.2.
Variant type: single nucleotide variant.
Coding change: c.754G>A on transcript NM_000173.7 (MANE Select); coding-DNA position 754, G replaced by A.
Protein change: p.Val252Ile; replaces valine 252 with isoleucine.
Molecular consequence: missense variant.
Genome position (GRCh38, 1-based): chr17:4,933,358, G>A. VCF-style: chr17-4933358-G-A. GRCh37 (hg19) VCF-style: chr17-4836653-G-A.
Other names: short protein forms V252I.
Identifiers: ClinVar variation 3854779 (VCV003854779.2).